The following is an entry in ClinVar:

NM_020547.3(AMHR2):c.514C>T (p.Arg172Ter)

Gene: AMHR2 (anti-Mullerian hormone receptor type 2; plus strand). Cytogenetic location: 12q13.13.
Variant type: single nucleotide variant.
Coding change: c.514C>T on transcript NM_020547.3 (MANE Select); coding-DNA position 514, C replaced by T.
Protein change: p.Arg172Ter; replaces arginine 172 with a stop codon.
Molecular consequence: nonsense.
Genome position (GRCh38, 1-based): chr12:53,425,466, C>T. VCF-style: chr12-53425466-C-T. GRCh37 (hg19) VCF-style: chr12-53819250-C-T.
Other names: c.514C>T, p.Arg172Ter (NM_001164690.2, NM_001164691.2); short protein forms R172*.
Identifiers: ClinVar variation 3336678 (VCV003336678.3).
Genomic context (GRCh38, chr12:53,425,466, plus strand): 5'-CTGTCCCTATGCATTTGCACCCTGACCCTAAGGCTCTTGTCTGTTCCAGCCCTGCTACAG[C>T]GAAAGAACTACAGAGTGCGAGGTGAGCCAGTGCCAGAGCCAAGGCCAGACTCAGGCAGGG-3'

ClinVar aggregate classification (germline): Pathogenic/Likely pathogenic. Review status: criteria provided, multiple submitters, no conflicts (2 of 4 stars). 3 submissions from 3 submitters: Pathogenic (1); Likely pathogenic (2). Last evaluated 2025-01-11.

Conditions:
AMHR2-related disorder. Also called: AMHR2-related condition.
Persistent Mullerian duct syndrome (PMDS). Also called: PERSISTENT MULLERIAN DUCT SYNDROME, TYPES I AND II; FEMALE GENITAL DUCTS IN OTHERWISE NORMAL MALE; HERNIA UTERI INGUINALE; PERSISTENT OVIDUCT SYNDROME; PSEUDOHERMAPHRODITISM, MALE INTERNAL. Identifiers: Orphanet 2856, MedGen C1849930, MONDO:0009857, OMIM 261550.

gnomAD v4.1: 25 of 1,613,918 alleles (0.0015%); highest among the groups gnomAD compares: Middle Eastern, 0.016%; no homozygotes.

Submissions (3):

PreventionGenetics, part of Exact Sciences
Classification: Likely pathogenic for AMHR2-related condition. Last evaluated: 2025-01-11. Review status: criteria provided, single submitter. Criteria: ACMG Guidelines, 2015. Collection method: clinical testing. Allele origin: germline.
Comment: The AMHR2 c.514C>T variant is predicted to result in premature protein termination (p.Arg172*). This variant was reported in multiple individuals with persistent müllerian duct syndrome (Figure 7b, Picard et al. 2017. PubMed ID: 28528332). This variant is reported in 0.012% of alleles in individuals of African descent in gnomAD. Nonsense variants in AMHR2 are expected to be pathogenic. This variant is interpreted as likely pathogenic.

Fulgent Genetics
Classification: Pathogenic for Persistent Mullerian duct syndrome. Last evaluated: 2024-05-26. Review status: criteria provided, single submitter. Criteria: ACMG Guidelines, 2015. Collection method: clinical testing. Allele origin: germline.

Igenomix - Part of Vitrolife Group, Igenomix
Classification: Likely pathogenic for Persistent Mullerian duct syndrome. Review status: criteria provided, single submitter. Criteria: ACMG Guidelines, 2015. Collection method: clinical testing. Allele origin: germline. Inheritance: Autosomal recessive inheritance. Affected: no.
Comment: The AMHR2 variant (NM_020547.3:c.514C>T, p.Arg172Ter) results in a premature termination codon, predicted to cause a truncation of the encoded protein or absence of the protein due to nonsense-mediated decay, which are commonly known mechanisms for disease (PVS1). Truncations downstream of this position have been classified as pathogenic. This variant is absent in the gnomAD v4.1.0 (PM2). To our knowledge, no experimental evidence demonstrating an impact on protein function has been reported. Based on the evidence outlined above, the variant was classified as likely pathogenic. This variant was detected in the heterozygous state through carrier screening.